The following is an entry in ClinVar:

NM_002691.4(POLD1):c.601T>C (p.Tyr201His)

Gene: POLD1 (DNA polymerase delta 1, catalytic subunit; plus strand). Cytogenetic location: 19q13.33.
Variant type: single nucleotide variant.
Coding change: c.601T>C on transcript NM_002691.4 (MANE Select); coding-DNA position 601, T replaced by C.
Protein change: p.Tyr201His; replaces tyrosine 201 with histidine.
Molecular consequence: missense variant. On other transcripts: non-coding transcript variant (1).
Genome position (GRCh38, 1-based): chr19:50,402,216, T>C. VCF-style: chr19-50402216-T-C. GRCh37 (hg19) VCF-style: chr19-50905473-T-C.
Other names: c.601T>C, p.Tyr201His (NM_001256849.1, NM_001308632.1); c.601T>C (NM_002691.2); short protein forms Y201H.
Identifiers: ClinVar variation 239359 (VCV000239359.19), dbSNP rs878854555, ClinGen allele CA10583816.
Genomic context (GRCh38, chr19:50,402,216, plus strand): 5'-GGGTCCCCTCGGGAGGCCATTGGCTGGTCCCAGCTTCTTCCATCCACAGGCATGTTTGGG[T>C]ACCACGGGCACGGCCCCTCCCCGTTCCTGCGCATCACCGTGGCGCTGCCGCGCCTCGTGG-3'
Protein context (NP_002682.2, residues 191-211): ELCSRESMFG[Tyr201His]HGHGPSPFLR

ClinVar aggregate classification (germline): Uncertain significance. Review status: criteria provided, multiple submitters, no conflicts (2 of 4 stars). 4 submissions from 4 submitters: Uncertain significance (4). Last evaluated 2025-12-08.

Conditions:
Hereditary cancer-predisposing syndrome. Also called: Hereditary Cancer Syndrome; Neoplastic Syndromes, Hereditary; Hereditary neoplastic syndrome; Tumor predisposition. Identifiers: Orphanet 140162, MedGen C0027672, MeSH D009386, MONDO:0015356.
POLD1-related polyposis and colorectal cancer syndrome (CRCS10). Also called: COLORECTAL CANCER, SUSCEPTIBILITY TO, ON CHROMOSOME 19q; Colorectal cancer 10; Colorectal cancer, susceptibility to, 10. Identifiers: Orphanet 220460, MedGen C2675481, MONDO:0012953, OMIM 612591.

Allele frequency attached by ClinVar (database versions not stated): gnomAD exomes below 0.00001; TOPMed 0.00002.
gnomAD v4.1: 2 of 1,584,266 alleles (0.00013%); highest among the groups gnomAD compares: Non-Finnish European, 0.00017%; no homozygotes.

Submissions (4):

Labcorp Genetics (formerly Invitae), Labcorp
Classification: Uncertain significance for POLD1-related polyposis and colorectal cancer syndrome. Last evaluated: 2025-12-08. Review status: criteria provided, single submitter. Criteria: Invitae Variant Classification Sherloc (09022015). Collection method: clinical testing. Allele origin: germline.
Comment: This sequence change replaces tyrosine, which is neutral and polar, with histidine, which is basic and polar, at codon 201 of the POLD1 protein (p.Tyr201His). This variant is not present in population databases (gnomAD no frequency). This variant has not been reported in the literature in individuals affected with POLD1-related conditions. ClinVar contains an entry for this variant (Variation ID: 239359). Invitae Evidence Modeling of protein sequence and biophysical properties (such as structural, functional, and spatial information, amino acid conservation, physicochemical variation, residue mobility, and thermodynamic stability) has been performed for this missense variant. However, the output from this modeling did not meet the statistical confidence thresholds required to predict the impact of this variant on POLD1 protein function. In summary, the available evidence is currently insufficient to determine the role of this variant in disease. Therefore, it has been classified as a Variant of Uncertain Significance.

Ambry Genetics
Classification: Uncertain significance for Hereditary cancer-predisposing syndrome. Last evaluated: 2025-04-21. Review status: criteria provided, single submitter. Criteria: Ambry Variant Classification Scheme 2023. Collection method: clinical testing. Allele origin: germline.
Comment: The p.Y201H variant (also known as c.601T>C), located in coding exon 5 of the POLD1 gene, results from a T to C substitution at nucleotide position 601. The tyrosine at codon 201 is replaced by histidine, an amino acid with similar properties. This amino acid position is conserved. In addition, this alteration is predicted to be tolerated by in silico analysis. Based on the available evidence, the clinical significance of this variant remains unclear.

GeneDx
Classification: Uncertain significance. Last evaluated: 2023-09-27. Review status: criteria provided, single submitter. Criteria: GeneDx Variant Classification Process June 2021. Collection method: clinical testing. Allele origin: germline. Affected: yes.
Comment: Not observed at significant frequency in large population cohorts (gnomAD); In silico analysis supports that this missense variant has a deleterious effect on protein structure/function; Has not been previously published as germline pathogenic or benign to our knowledge; This variant is associated with the following publications: (PMID: 29056344)

Quest Diagnostics Nichols Institute San Juan Capistrano
Classification: Uncertain significance. Last evaluated: 2018-09-27. Review status: criteria provided, single submitter. Criteria: Quest Diagnostics criteria. Collection method: clinical testing. Allele origin: germline.

Literature cited by the submitters: PubMed 29056344 (cited by Quest Diagnostics Nichols Institute San Juan Capistrano).